The following is an entry in ClinVar:

ClinVar aggregate classification (germline): Uncertain significance (1 of 4 stars; one submission).

Conditions:
Combined immunodeficiency due to DOCK8 deficiency (HIES2). Also called: HYPER-IgE SYNDROME 2, AUTOSOMAL RECESSIVE, WITH RECURRENT INFECTIONS; DOCK8 Deficiency; HIES autosomal recessive; Hyper-IgE recurrent infection syndrome, autosomal recessive; HYPER-IgE RECURRENT INFECTION SYNDROME 2, AUTOSOMAL RECESSIVE. Identifiers: Orphanet 217390, MedGen C4722305, MONDO:0009478, OMIM 243700.

Allele frequency attached by ClinVar (database versions not stated): gnomAD exomes 0.00001.
gnomAD v4.1: 15 of 1,613,900 alleles (0.00093%); highest among the groups gnomAD compares: Non-Finnish European, 0.0013%; no homozygotes.

Submission:

Labcorp Genetics (formerly Invitae), Labcorp
Classification: Uncertain significance for Combined immunodeficiency due to DOCK8 deficiency. Last evaluated: 2022-11-09. Review status: criteria provided, single submitter. Criteria: Invitae Variant Classification Sherloc (09022015). Collection method: clinical testing. Allele origin: germline.
Comment: Advanced modeling of protein sequence and biophysical properties (such as structural, functional, and spatial information, amino acid conservation, physicochemical variation, residue mobility, and thermodynamic stability) performed at Invitae indicates that this missense variant is not expected to disrupt DOCK8 protein function. In summary, the available evidence is currently insufficient to determine the role of this variant in disease. Therefore, it has been classified as a Variant of Uncertain Significance. This sequence change replaces glutamic acid, which is acidic and polar, with valine, which is neutral and non-polar, at codon 60 of the DOCK8 protein (p.Glu60Val). This variant is not present in population databases (gnomAD no frequency). This variant has not been reported in the literature in individuals affected with DOCK8-related conditions.

NM_203447.4(DOCK8):c.179A>T (p.Glu60Val)

Genes: DOCK8 (dedicator of cytokinesis 8; plus strand), LOC126860552 (BRD4-independent group 4 enhancer GRCh37_chr9:285795-286994; plus strand). Cytogenetic location: 9p24.3.
Variant type: single nucleotide variant.
Coding change: c.179A>T on transcript NM_203447.4 (MANE Select); coding-DNA position 179, A replaced by T.
Protein change: p.Glu60Val; replaces glutamic acid 60 with valine.
Molecular consequence: missense variant. On other transcripts: 5 prime UTR variant (2).
Genome position (GRCh38, 1-based): chr9:286,483, A>T. VCF-style: chr9-286483-A-T. GRCh37 (hg19) VCF-style: chr9-286483-A-T.
Other names: c.-26A>T (NM_001190458.2, NM_001193536.2); short protein forms E60V.
Identifiers: ClinVar variation 2794497 (VCV002794497.3), dbSNP rs760312255, ClinGen allele CA187775406.